The following is an entry in ClinVar:

NM_014629.4(ARHGEF10):c.1329C>A (p.Phe443Leu)

Gene: ARHGEF10 (Rho guanine nucleotide exchange factor 10; plus strand). Cytogenetic location: 8p23.3.
Variant type: single nucleotide variant.
Coding change: c.1329C>A on transcript NM_014629.4 (MANE Select); coding-DNA position 1329, C replaced by A.
Protein change: p.Phe443Leu; replaces phenylalanine 443 with leucine.
Molecular consequence: missense variant.
Genome position (GRCh38, 1-based): chr8:1,894,461, C>A. VCF-style: chr8-1894461-C-A. GRCh37 (hg19) VCF-style: chr8-1842627-C-A.
Other names: c.1215C>A, p.Phe405Leu (NM_001308152.2); c.1332C>A, p.Phe444Leu (NM_001308153.3); short protein forms F405L, F468L, F443L, F444L.
Identifiers: ClinVar variation 2072213 (VCV002072213.4), dbSNP rs754239893, ClinGen allele CA4600326.
Genomic context (GRCh38, chr8:1,894,461, plus strand): 5'-GAAGCCGCTGTCTGAGATGGAGCCAAAGGTTCTGAGTGAGAGGAAGCTGAAGACGGTGTT[C>A]TACCGAGTCAAAGAGATCCTGCAGTGCCACTCGCTATTTCAGATCGCGCTGGCCAGCCGC-3'
Protein context (NP_055444.2, residues 433-453): VLSERKLKTV[Phe443Leu]YRVKEILQCH

ClinVar aggregate classification (germline): Uncertain significance (1 of 4 stars; one submission).

Allele frequency attached by ClinVar (database versions not stated): ExAC 0.00002; TOPMed 0.00001.
gnomAD v4.1: 4 of 1,614,228 alleles (0.00025%); highest among the groups gnomAD compares: Admixed American, 0.0067%; no homozygotes.

Submission:

Labcorp Genetics (formerly Invitae), Labcorp
Classification: Uncertain significance. Last evaluated: 2022-07-01. Review status: criteria provided, single submitter. Criteria: Invitae Variant Classification Sherloc (09022015). Collection method: clinical testing. Allele origin: germline.
Comment: This sequence change replaces phenylalanine, which is neutral and non-polar, with leucine, which is neutral and non-polar, at codon 443 of the ARHGEF10 protein (p.Phe443Leu). This variant is present in population databases (rs754239893, gnomAD 0.01%). This variant has not been reported in the literature in individuals affected with ARHGEF10-related conditions. Algorithms developed to predict the effect of missense changes on protein structure and function are either unavailable or do not agree on the potential impact of this missense change (SIFT: "Deleterious"; PolyPhen-2: "Probably Damaging"; Align-GVGD: "Class C0"). In summary, the available evidence is currently insufficient to determine the role of this variant in disease. Therefore, it has been classified as a Variant of Uncertain Significance.